The following is an entry in ClinVar:

ClinVar aggregate classification (germline): Uncertain significance (1 of 4 stars; one submission).

Submission:

Ambry Genetics
Classification: Uncertain significance. Last evaluated: 2024-08-19. Review status: criteria provided, single submitter. Criteria: Ambry Variant Classification Scheme 2023. Collection method: clinical testing. Allele origin: germline.
Comment: The p.S1442R variant (also known as c.4326C>G), located in coding exon 12 of the MLH3 gene, results from a C to G substitution at nucleotide position 4326. The serine at codon 1442 is replaced by arginine, an amino acid with dissimilar properties. This amino acid position is conserved. In addition, this alteration is predicted to be tolerated by in silico analysis. Based on the available evidence, the clinical significance of this variant remains unclear.

NM_001040108.2(MLH3):c.4326C>G (p.Ser1442Arg)

Gene: MLH3 (mutL homolog 3; minus strand). Cytogenetic location: 14q24.3.
Variant type: single nucleotide variant.
Coding change: c.4326C>G on transcript NM_001040108.2 (MANE Select); coding-DNA position 4326, C replaced by G.
Protein change: p.Ser1442Arg; replaces serine 1442 with arginine.
Molecular consequence: missense variant.
Genome position (GRCh38, 1-based): chr14:75,017,118, G>C on the plus strand (C>G on the coding strand, the complement: MLH3 is on the minus strand). VCF-style: chr14-75017118-G-C. GRCh37 (hg19) VCF-style: chr14-75483821-G-C.
Other names: c.4254C>G, p.Ser1418Arg (NM_014381.3); short protein forms S1418R, S1442R.
Identifiers: ClinVar variation 3396694 (VCV003396694.1).